The following is an entry in ClinVar:

NM_000088.4(COL1A1):c.1380del (p.Gly461fs)

Gene: COL1A1 (collagen type I alpha 1 chain; minus strand). Cytogenetic location: 17q21.33.
Variant type: Deletion.
Coding change: c.1380del on transcript NM_000088.4 (MANE Select); coding-DNA position 1380, one base deleted (T; older notation c.1380delT).
Protein change: p.Gly461fs; shifts the reading frame from glycine 461.
Molecular consequence: frameshift variant.
Genome position (GRCh38, 1-based): chr17:50,194,802, A deleted on the plus strand (T on the coding strand, the reverse complement: COL1A1 is on the minus strand). VCF-style (leftmost placement, unchanged base first): chr17-50194801-CA-C. GRCh37 (hg19) VCF-style: chr17-48272162-CA-C.
Other names: short protein forms G461fs.
Identifiers: ClinVar variation 2884074 (VCV002884074.5), dbSNP rs2509222552, ClinGen allele CA2695226654.

ClinVar aggregate classification (germline): Pathogenic. Review status: criteria provided, multiple submitters, no conflicts (2 of 4 stars). 3 submissions from 3 submitters: Pathogenic (3). Last evaluated 2025-08-20.

Conditions:
Osteogenesis imperfecta type I (OI1). Also called: OI, TYPE I; OSTEOGENESIS IMPERFECTA TARDA; OSTEOGENESIS IMPERFECTA WITH BLUE SCLERAE; Osteogenesis imperfecta type 1; Lobstein's Disease; Lobstein disease. Identifiers: Orphanet 216796, Orphanet 666, MedGen C0023931, MONDO:0008146, OMIM 166200. Disease mechanism: loss of function.

Submissions (3):

3billion
Classification: Pathogenic for Osteogenesis imperfecta type I. Last evaluated: 2025-08-20. Review status: criteria provided, single submitter. Criteria: ACMG Guidelines, 2015. Collection method: clinical testing. Allele origin: germline. Affected: yes.
Comment: The variant is not observed in the gnomAD v4.1.0 dataset. Predicted Consequence/Location: Frameshift: predicted to result in a loss or disruption of normal protein function through nonsense-mediated decay (NMD) or protein truncation. Multiple pathogenic variants are reported downstream of the variant. The variant has been reported at least twice as pathogenic with clinical assertions and evidence for the classification (ClinVar ID: VCV002884074 /PMID: 30715774). Therefore, this variant is classified as Pathogenic according to the recommendation of ACMG/AMP guideline.

Clinical Biomedical Laboratory, Shriners Hospital For Children - Canada
Classification: Pathogenic for Osteogenesis imperfecta type I. Last evaluated: 2025-05-23. Review status: criteria provided, single submitter. Criteria: ACMG Guidelines, 2015. Collection method: clinical testing. Allele origin: germline. Affected: yes.
Comment: This variant is predicted to substitute a glycine residue by an alanine residue, introduce a frameshift resulting in an stop codon 80 amino acids downstream. This is expected to lead to degradation of the affected mRNA transcript. Variants predicted to introduce termination codons lead to degradation of the affected transcript and haploinsufficiency of the alpha 1 chain of collagen type I. COL1A1 haploinsufficiency is a typical cause of osteogenesis imperfecta type I. This variant is not reported in the Genome Aggregation Database (v2.1.1). This variant has been reported in the literature (PMID 26627451) as a cause of osteogenesis imperfecta.

Labcorp Genetics (formerly Invitae), Labcorp
Classification: Pathogenic for Osteogenesis imperfecta type I. Last evaluated: 2024-11-05. Review status: criteria provided, single submitter. Criteria: Invitae Variant Classification Sherloc (09022015). Collection method: clinical testing. Allele origin: germline.
Comment: This sequence change creates a premature translational stop signal (p.Gly461Alafs*80) in the COL1A1 gene. It is expected to result in an absent or disrupted protein product. Loss-of-function variants in COL1A1 are known to be pathogenic (PMID: 7942841, 9295084, 9443882). This variant is not present in population databases (gnomAD no frequency). This premature translational stop signal has been observed in individual(s) with osteogenesis imperfecta (PMID: 30715774). ClinVar contains an entry for this variant (Variation ID: 2884074). For these reasons, this variant has been classified as Pathogenic.

Literature cited by the submitters: PubMed 30715774 (cited by 3billion and Labcorp Genetics (formerly Invitae), Labcorp); PubMed 26627451 (cited by Clinical Biomedical Laboratory, Shriners Hospital For Children - Canada); PubMed 7942841 (cited by Labcorp Genetics (formerly Invitae), Labcorp); PubMed 9295084 (cited by Labcorp Genetics (formerly Invitae), Labcorp); PubMed 9443882 (cited by Labcorp Genetics (formerly Invitae), Labcorp).